The following is an entry in ClinVar:

NM_001429.4(EP300):c.615G>T (p.Met205Ile)

Gene: EP300 (EP300 lysine acetyltransferase; plus strand). Cytogenetic location: 22q13.2.
Variant type: single nucleotide variant.
Coding change: c.615G>T on transcript NM_001429.4 (MANE Select); coding-DNA position 615, G replaced by T.
Protein change: p.Met205Ile; replaces methionine 205 with isoleucine.
Molecular consequence: missense variant.
Genome position (GRCh38, 1-based): chr22:41,117,707, G>T. VCF-style: chr22-41117707-G-T. GRCh37 (hg19) VCF-style: chr22-41513711-G-T.
Other names: c.615G>T, p.Met205Ile (NM_001362843.2); c.615G>T (NM_001429.3); short protein forms M205I.
Identifiers: ClinVar variation 1922714 (VCV001922714.6), dbSNP rs766306644, ClinGen allele CA10252286.

ClinVar aggregate classification (germline): Conflicting classifications of pathogenicity. Review status: criteria provided, conflicting classifications (1 of 4 stars). 2 submissions from 2 submitters: Uncertain significance (1); Benign (1). Last evaluated 2026-04-20.

Conditions:
EP300-related disorder. Also called: EP300-related disorders; EP300-related condition.
Rubinstein-Taybi syndrome due to EP300 haploinsufficiency. Also called: EP300-Related Rubinstein-Taybi Syndrome; RUBINSTEIN-TAYBI SYNDROME 2. Identifiers: Orphanet 353284, Orphanet 783, MedGen C3150941, MONDO:0013364, OMIM 613684.

Allele frequency attached by ClinVar (database versions not stated): ExAC 0.00001; gnomAD 0.00001; gnomAD exomes 0.00002.

Submissions (2):

PreventionGenetics, part of Exact Sciences
Classification: Uncertain significance for EP300-related condition. Last evaluated: 2026-04-20. Review status: criteria provided, single submitter. Criteria: ACMG Guidelines, 2015. Collection method: clinical testing. Allele origin: germline.
Comment: The EP300 c.615G>T variant is predicted to result in the amino acid substitution p.Met205Ile. To our knowledge, this variant has not been reported in the literature. This variant is reported in 0.0040% of alleles in individuals of African descent in gnomAD. At this time, the clinical significance of this variant is uncertain due to the absence of conclusive functional and genetic evidence.

Labcorp Genetics (formerly Invitae), Labcorp
Classification: Benign for Rubinstein-Taybi syndrome due to EP300 haploinsufficiency. Last evaluated: 2024-10-30. Review status: criteria provided, single submitter. Criteria: Invitae Variant Classification Sherloc (09022015). Collection method: clinical testing. Allele origin: germline.